The following is an entry in ClinVar:

ClinVar aggregate classification (germline): Conflicting classifications of pathogenicity. Review status: criteria provided, conflicting classifications (1 of 4 stars). 7 submissions from 7 submitters: Uncertain significance (4); Likely benign (1). 2 of the submissions do not count toward it. Last evaluated 2024-12-26.

Conditions:
Hereditary breast ovarian cancer syndrome. Also called: Hereditary breast and ovarian cancer syndrome; Hereditary breast and ovarian cancer; Hereditary breast and ovarian cancer syndrome (HBOC); Breast and ovarian cancer; Hereditary breast and/or ovarian cancer syndrome; BRCA1- and BRCA2-Associated Hereditary Breast and Ovarian Cancer. Identifiers: Orphanet 145, MedGen C0677776, MeSH D061325, MONDO:0003582. Disease mechanism: loss of function.
Breast-ovarian cancer, familial, susceptibility to, 2 (BROVCA2). Also called: BRCA2 Hereditary Breast and Ovarian Cancer. Identifiers: Orphanet 145, MedGen C2675520, MONDO:0012933, OMIM 612555. Disease mechanism: loss of function.
Hereditary cancer-predisposing syndrome. Also called: Neoplastic Syndromes, Hereditary; Tumor predisposition; Hereditary Cancer Syndrome; Hereditary neoplastic syndrome. Identifiers: Orphanet 140162, MedGen C0027672, MeSH D009386, MONDO:0015356.

Allele frequency attached by ClinVar (database versions not stated): TOPMed below 0.00001; gnomAD 0.00001.
gnomAD v4.1: 1 of 1,613,984 alleles (0.000062%); highest among the groups gnomAD compares: Non-Finnish European, 0.000085%; no homozygotes.

Submissions (7):

Labcorp Genetics (formerly Invitae), Labcorp
Classification: Uncertain significance for Hereditary breast ovarian cancer syndrome. Last evaluated: 2024-12-26. Review status: criteria provided, single submitter. Criteria: Invitae Variant Classification Sherloc (09022015). Collection method: clinical testing. Allele origin: germline.
Comment: This sequence change replaces threonine, which is neutral and polar, with isoleucine, which is neutral and non-polar, at codon 3357 of the BRCA2 protein (p.Thr3357Ile). This variant is present in population databases (rs80358388, gnomAD 0.007%). This missense change has been observed in individual(s) with breast cancer (PMID: 10923033). ClinVar contains an entry for this variant (Variation ID: 51036). Invitae Evidence Modeling of protein sequence and biophysical properties (such as structural, functional, and spatial information, amino acid conservation, physicochemical variation, residue mobility, and thermodynamic stability) indicates that this missense variant is not expected to disrupt BRCA2 protein function with a negative predictive value of 95%. In summary, the available evidence is currently insufficient to determine the role of this variant in disease. Therefore, it has been classified as a Variant of Uncertain Significance.

Ambry Genetics
Classification: Uncertain significance for Hereditary cancer-predisposing syndrome. Last evaluated: 2023-09-20. Review status: criteria provided, single submitter. Criteria: Ambry Variant Classification Scheme 2023. Collection method: clinical testing. Allele origin: germline.
Comment: The p.T3357I variant (also known as c.10070C>T), located in coding exon 26 of the BRCA2 gene, results from a C to T substitution at nucleotide position 10070. The threonine at codon 3357 is replaced by isoleucine, an amino acid with similar properties. This amino acid position is poorly conserved in available vertebrate species. In addition, this alteration is predicted to be tolerated by in silico analysis. Since supporting evidence is limited at this time, the clinical significance of this alteration remains unclear.

Women's Health and Genetics/Laboratory Corporation of America, LabCorp
Classification: Uncertain significance. Last evaluated: 2017-11-03. Review status: criteria provided, single submitter. Criteria: LabCorp Variant Classification Summary - May 2015. Collection method: clinical testing. Allele origin: germline.
Comment: Variant summary: The BRCA2 c.10070C>T (p.Thr3357Ile) variant involves the alteration of a non-conserved nucleotide that leads to change in an evolutionarily non-conserved amino acid residue that is located at the C-terminal end of the protein that does not belong to any known functional domain. 3/4 in silico tools predict a benign outcome for this variant (SNPsandGO not captured due to low reliability index). In addition, a truncation variant upstream of this position have been observed in the general population (with several homozygous occurrences) and classified as benign by our laboratory and others (c.9976A>T (p.Lys3326Ter)), suggesting that even the complete functional loss of this C-terminal protein part wouldnt lead to deleterious biological effects, though these predictions have not been confirmed by in vitro or in vivo functional studies. This variant was found in 1/30974 control chromosomes at a frequency of 0.0000323, which does not exceed the estimated maximal expected allele frequency of a pathogenic BRCA2 variant (0.0007503). The variant of interest has not, to our knowledge, been reported in affected individuals via publications. Multiple clinical diagnostic laboratories/reputable databases classified this variant as uncertain significance. Because of the absence of clinical information and the lack of functional studies, the variant is classified as a variant of uncertain significance (VUS) until additional information becomes available.

Color Diagnostics, LLC DBA Color Health
Classification: Likely benign for Hereditary cancer-predisposing syndrome. Last evaluated: 2016-01-06. Review status: criteria provided, single submitter. Criteria: ACMG Guidelines, 2015. Collection method: clinical testing. Allele origin: germline.

GeneDx
Classification: Uncertain significance. Last evaluated: 2014-08-15. Review status: criteria provided, single submitter. Criteria: GeneDx Variant Classification (06012015). Collection method: clinical testing. Allele origin: germline. Affected: yes.
Comment: This variant is denoted BRCA2 c.10070C>T at the cDNA level, p.Thr3357Ile (T3357I) at the protein level, and results in the change of a Threonine to an Isoleucine (ACA>ATA). This variant was observed at least once in an individual whose personal and/or family history was presumably suspicious for hereditary breast and ovarian cancer syndrome (Olopade 2003). BRCA2 Thr3357Ile was not observed in approximately 6,500 individuals of European and African American ancestry in the NHLBI Exome Sequencing Project, indicating it is not a common benign variant in these populations. Since Threonine and Isoleucine differ in polarity, charge, size or other properties, this is considered a non-conservative amino acid substitution. BRCA2 Thr3357Ile occurs at a position that is variable across species and is not located in a known functional domain. In silico analyses predict that this variant is unlikely to alter protein structure or function. Based on currently available information, it is unclear whether BRCA2 Thr3357Ile is pathogenic or benign. We consider it to be a variant of uncertain significance.

Counsyl
Classification: Uncertain significance for Breast-ovarian cancer, familial, susceptibility to, 2. Last evaluated: 2017-01-30. Review status: no assertion criteria provided. Collection method: clinical testing. Allele origin: unknown. Not counted in ClinVar's aggregate classification.

Breast Cancer Information Core (BIC) (BRCA2)
Classification: Uncertain significance for Breast-ovarian cancer, familial 2. Review status: no assertion criteria provided. Collection method: clinical testing. Allele origin: germline. Affected: yes. Observed: 1 variant allele. Not counted in ClinVar's aggregate classification.

Literature cited by the submitters: PubMed 10923033 (cited by Labcorp Genetics (formerly Invitae), Labcorp); PubMed 12491487 (cited by Women's Health and Genetics/Laboratory Corporation of America, LabCorp and Counsyl); PubMed 25451944 (cited by Women's Health and Genetics/Laboratory Corporation of America, LabCorp).

NM_000059.4(BRCA2):c.10070C>T (p.Thr3357Ile)

Gene: BRCA2 (BRCA2 DNA repair associated; plus strand). Cytogenetic location: 13q13.1.
Variant type: single nucleotide variant.
Coding change: c.10070C>T on transcript NM_000059.4 (MANE Select); coding-DNA position 10070, C replaced by T.
Protein change: p.Thr3357Ile; replaces threonine 3357 with isoleucine.
Molecular consequence: missense variant.
Genome position (GRCh38, 1-based): chr13:32,398,583, C>T. VCF-style: chr13-32398583-C-T. GRCh37 (hg19) VCF-style: chr13-32972720-C-T.
Other names: p.T3357I:ACA>ATA; short protein forms T3357I.
Identifiers: ClinVar variation 51036 (VCV000051036.22), dbSNP rs80358388, ClinGen allele CA010135.